The following is an entry in ClinVar:

ClinVar aggregate classification (germline): Likely benign. Review status: criteria provided, multiple submitters, no conflicts (2 of 4 stars). 2 submissions from 2 submitters: Likely benign (2). Last evaluated 2023-07-10.

Conditions:
Hypercholesterolemia, autosomal dominant, 3 (FHCL3). Also called: Familial Hypercholesterolemia, Autosomal Dominant, 3; PCSK9-Related Familial Hypercholesterolemia, Autosomal Dominant; Familial hypercholesterolemia 3. Identifiers: MedGen C1863551, MONDO:0011369, OMIM 603776.
Familial hypercholesterolemia. Also called: Familial hypercholesterolemias; Familial hypercholesterolaemia. Identifiers: MedGen C0020445, MONDO:0005439.

Submissions (2):

All of Us Research Program, National Institutes of Health
Classification: Likely benign for Hypercholesterolemia, autosomal dominant, 3. Last evaluated: 2023-07-10. Review status: criteria provided, single submitter. Criteria: ACMG Guidelines, 2015. Collection method: clinical testing. Allele origin: germline. Inheritance: Autosomal dominant inheritance. Observed: 1 variant allele, 1 heterozygote.
Comment: This study involves interpretation of variants in research participants for the purpose of population health screening. Participant phenotype was not available at the time of variant classification. Additional details can be found in publication PMID: 35346344, PMCID: PMC8962531

Color Diagnostics, LLC DBA Color Health
Classification: Likely benign for Familial hypercholesterolemia. Last evaluated: 2021-09-14. Review status: criteria provided, single submitter. Criteria: ACMG Guidelines, 2015. Collection method: clinical testing. Allele origin: germline.

NM_174936.4(PCSK9):c.61_69dup (p.Leu23_Gly24insLeuLeuLeu)

Gene: PCSK9 (proprotein convertase subtilisin/kexin type 9; plus strand). Cytogenetic location: 1p32.3.
Variant type: Duplication.
Coding change: c.61_69dup on transcript NM_174936.4 (MANE Select); coding-DNA positions 61 to 69, 9 bases duplicated (CTGCTCCTG; older notation c.61_69dupCTGCTCCTG).
Protein change: p.Leu23_Gly24insLeuLeuLeu.
Molecular consequence: inframe insertion. On other transcripts: 5 prime UTR variant (1), non-coding transcript variant (8).
Genome position (GRCh38, 1-based): chr1:55,039,898-55,039,906, CTGCTCCTG duplicated; duplicating any 9 consecutive bases within chr1:55,039,895-55,039,906 gives the same sequence; the c. name uses the placement nearest the transcript's 3' end. VCF-style (leftmost placement, unchanged base first): chr1-55039894-G-GCTGCTGCTC. GRCh37 (hg19) VCF-style: chr1-55505567-G-GCTGCTGCTC.
Other names: c.61_69dup, p.Leu23_Gly24insLeuLeuLeu (NM_001407240.1, NM_001407241.1, NM_001407242.1 and 4 more transcripts); c.-674_-666dup (NM_001407246.1).
Identifiers: ClinVar variation 2774030 (VCV002774030.3), dbSNP rs2523163503, ClinGen allele CA2574381078.